The following is an entry in ClinVar:

NM_003000.3(SDHB):c.51C>G (p.Thr17=)

Genes: SDHB (succinate dehydrogenase complex iron sulfur subunit B; minus strand), LOC129929542 (ATAC-STARR-seq lymphoblastoid active region 277; plus strand). Cytogenetic location: 1p36.13.
Variant type: single nucleotide variant.
Coding change: c.51C>G on transcript NM_003000.3 (MANE Select); coding-DNA position 51, C replaced by G.
Protein change: p.Thr17=; no amino-acid change (threonine 17 retained).
Molecular consequence: synonymous variant.
Genome position (GRCh38, 1-based): chr1:17,053,969, G>C on the plus strand (C>G on the coding strand, the complement: SDHB is on the minus strand). VCF-style: chr1-17053969-G-C. GRCh37 (hg19) VCF-style: chr1-17380464-G-C.
Other names: c.51C>G, p.Thr17= (NM_001407361.1).
Identifiers: ClinVar variation 2923066 (VCV002923066.4), dbSNP rs550555402, ClinGen allele CA416048716.

ClinVar aggregate classification (germline): Benign/Likely benign. Review status: criteria provided, multiple submitters, no conflicts (2 of 4 stars). 2 submissions from 2 submitters: Benign (1); Likely benign (1). Last evaluated 2025-03-12.

Conditions:
Pheochromocytoma. Also called: MAX-Related Hereditary Paraganglioma-Pheochromocytoma Syndrome. Identifiers: Orphanet 29072, MedGen C0031511, MONDO:0008233, OMIM 171300, HP:0002666.
Gastrointestinal stromal tumor. Also called: Gastrointestinal stromal tumor, somatic; Gastrointestinal stroma tumor. Identifiers: Orphanet 44890, MedGen C0238198, MeSH D046152, MONDO:0011719, OMIM 606764, HP:0100723.
Pheochromocytoma/paraganglioma syndrome 4. Also called: CAROTID BODY TUMORS AND MULTIPLE EXTRAADRENAL PHEOCHROMOCYTOMAS; PARAGANGLIOMA, FAMILIAL MALIGNANT; PARAGANGLIOMAS, HEREDITARY EXTRAADRENAL; PHEOCHROMOCYTOMA, FAMILIAL EXTRAADRENAL; Paragangliomas 4; SDHB-Related Hereditary Paraganglioma-Pheochromocytoma Syndrome (Paragangliomas 4). Identifiers: Orphanet 29072, MedGen C1861848, MONDO:0007273, OMIM 115310.

Submissions (2):

Myriad Genetics, Inc.
Classification: Benign for Pheochromocytoma/paraganglioma syndrome 4. Last evaluated: 2025-03-12. Review status: criteria provided, single submitter. Criteria: Myriad Autosomal Dominant, Autosomal Recessive and X-Linked Classification Criteria (2023). Collection method: clinical testing. Allele origin: unknown.
Comment: This variant is considered benign. This variant is a silent/synonymous amino acid change and it is not expected to impact splicing.

Labcorp Genetics (formerly Invitae), Labcorp
Classification: Likely benign for Gastrointestinal stromal tumor; Pheochromocytoma/paraganglioma syndrome 4; Pheochromocytoma. Last evaluated: 2023-12-26. Review status: criteria provided, single submitter. Criteria: Invitae Variant Classification Sherloc (09022015). Collection method: clinical testing. Allele origin: germline.